The following is an entry in ClinVar:

ClinVar aggregate classification (germline): Uncertain significance (1 of 4 stars; one submission).

Conditions:
Familial thoracic aortic aneurysm and aortic dissection (TAAD). Also called: Thoracic aortic aneurysms and dissections. Identifiers: Orphanet 91387, MedGen C4707243, MONDO:0019625.

Submission:

All of Us Research Program, National Institutes of Health
Classification: Uncertain significance for Familial thoracic aortic aneurysm and aortic dissection. Last evaluated: 2023-05-31. Review status: criteria provided, single submitter. Criteria: ACMG Guidelines, 2015. Collection method: clinical testing. Allele origin: germline. Inheritance: Autosomal dominant inheritance. Observed: 1 variant allele, 1 heterozygote.
Comment: This study involves interpretation of variants in research participants for the purpose of population health screening. Participant phenotype was not available at the time of variant classification. Additional details can be found in publication PMID: 35346344, PMCID: PMC8962531

NM_002474.3(MYH11):c.1946T>C (p.Met649Thr)

Gene: MYH11 (myosin heavy chain 11; minus strand). Cytogenetic location: 16p13.11.
Variant type: single nucleotide variant.
Coding change: c.1946T>C on transcript NM_002474.3 (MANE Select); coding-DNA position 1946, T replaced by C.
Protein change: p.Met649Thr; replaces methionine 649 with threonine.
Molecular consequence: missense variant.
Genome position (GRCh38, 1-based): chr16:15,750,250, A>G on the plus strand (T>C on the coding strand, the complement: MYH11 is on the minus strand). VCF-style: chr16-15750250-A-G. GRCh37 (hg19) VCF-style: chr16-15844107-A-G.
Other names: c.1967T>C, p.Met656Thr (NM_001040113.2, NM_001040114.2); c.1946T>C, p.Met649Thr (NM_022844.3); short protein forms M649T, M656T.
Identifiers: ClinVar variation 3071315 (VCV003071315.1), dbSNP rs2506297518, ClinGen allele CA394869063.